The following is an entry in ClinVar:

NM_019066.5(MAGEL2):c.1262C>G (p.Pro421Arg)

Gene: MAGEL2 (MAGE family member L2; minus strand). Cytogenetic location: 15q11.2.
Variant type: single nucleotide variant.
Coding change: c.1262C>G on transcript NM_019066.5 (MANE Select); coding-DNA position 1262, C replaced by G.
Protein change: p.Pro421Arg; replaces proline 421 with arginine.
Molecular consequence: missense variant.
Genome position (GRCh38, 1-based): chr15:23,646,481, G>C on the plus strand (C>G on the coding strand, the complement: MAGEL2 is on the minus strand). VCF-style: chr15-23646481-G-C. GRCh37 (hg19) VCF-style: chr15-23891628-G-C.
Other names: c.1262C>G (NM_019066.4); short protein forms P421R.
Identifiers: ClinVar variation 1684505 (VCV001684505.3), dbSNP rs2140716697, ClinGen allele CA391334724.

ClinVar aggregate classification (germline): Uncertain significance. Review status: criteria provided, multiple submitters, no conflicts (2 of 4 stars). 3 submissions from 3 submitters: Uncertain significance (3). Last evaluated 2025-06-08.

Conditions:
Inborn genetic diseases. Identifiers: MedGen C0950123, MeSH D030342.
Schaaf-Yang syndrome (SHFYNG). Also called: Arthrogryposis, distal, with hypopituitarism, intellectual disability, and facial anomalies; MAGEL2-related Prader-Willi-like syndrome. Identifiers: Orphanet 398069, MedGen C5575066, MONDO:0014243, OMIM 615547.

Submissions (3):

Ambry Genetics
Classification: Uncertain significance for Inborn genetic diseases. Last evaluated: 2025-06-08. Review status: criteria provided, single submitter. Criteria: Ambry Variant Classification Scheme 2023. Collection method: clinical testing. Allele origin: germline.

GeneDx
Classification: Uncertain significance. Last evaluated: 2023-11-02. Review status: criteria provided, single submitter. Criteria: GeneDx Variant Classification Process June 2021. Collection method: clinical testing. Allele origin: germline. Affected: yes.
Comment: Not observed at significant frequency in large population cohorts (gnomAD); Has not been previously published as pathogenic or benign to our knowledge; In-silico analysis is inconclusive as to whether the variant impacts protein structure/function. In the absence of functional studies, the actual effect of this sequence change is unknown

HudsonAlpha Institute for Biotechnology
Classification: Uncertain significance for Schaaf-Yang syndrome. Last evaluated: 2022-01-05. Review status: criteria provided, single submitter. Criteria: ACMG Guidelines, 2015. Collection method: research. Allele origin: paternal. Observed: 1 variant allele. Study: HudsonAlpha-AGHI-WGS.
Comment: ACMG codes: PM2